The following is an entry in ClinVar:

ClinVar aggregate classification (germline): Uncertain significance. Review status: criteria provided, multiple submitters, no conflicts (2 of 4 stars). 6 submissions from 6 submitters: Uncertain significance (6). Last evaluated 2026-03-30.

Conditions:
MERTK-related disorder. Also called: MERTK-related condition.
Retinal dystrophy. Also called: Inherited retinal dystrophy. Identifiers: Orphanet 71862, MedGen C0854723, MeSH D058499, MONDO:0019118, HP:0000556.

Allele frequency attached by ClinVar (database versions not stated): TOPMed 0.00008; gnomAD 0.00005 and 0.00004; gnomAD exomes 0.00006 and 0.00012; ESP Exome Variant Server 0.00015; ExAC 0.00007.
gnomAD v4.1: 95 of 1,613,834 alleles (0.0059%); highest among the groups gnomAD compares: Admixed American, 0.052%; no homozygotes.

Submissions (6):

PreventionGenetics, part of Exact Sciences
Classification: Uncertain significance for MERTK-related condition. Last evaluated: 2026-03-30. Review status: criteria provided, single submitter. Criteria: ACMG Guidelines, 2015. Collection method: clinical testing. Allele origin: germline.
Comment: The MERTK c.1894G>A variant is predicted to result in the amino acid substitution p.Glu632Lys. To our knowledge, this variant has not been reported in the literature. This variant is reported in 0.068% of alleles in individuals of Latino descent in gnomAD, which may be too frequent to be a primary cause of disease. Although we suspect that this variant may be benign, at this time, the clinical significance of this variant is uncertain due to the absence of conclusive functional and genetic evidence.

Blueprint Genetics
Classification: Uncertain significance. Last evaluated: 2024-10-30. Review status: criteria provided, single submitter. Criteria: ACMG Guidelines, 2015. Collection method: clinical testing. Allele origin: germline.

Dept Of Ophthalmology, Nagoya University
Classification: Uncertain significance for Retinal dystrophy. Last evaluated: 2023-10-01. Review status: criteria provided, single submitter. Criteria: Submitter's publication. Collection method: research. Allele origin: germline. Affected: yes.

Labcorp Genetics (formerly Invitae), Labcorp
Classification: Uncertain significance. Last evaluated: 2022-11-08. Review status: criteria provided, single submitter. Criteria: Invitae Variant Classification Sherloc (09022015). Collection method: clinical testing. Allele origin: germline.
Comment: In summary, the available evidence is currently insufficient to determine the role of this variant in disease. Therefore, it has been classified as a Variant of Uncertain Significance. Advanced modeling of protein sequence and biophysical properties (such as structural, functional, and spatial information, amino acid conservation, physicochemical variation, residue mobility, and thermodynamic stability) performed at Invitae indicates that this missense variant is expected to disrupt MERTK protein function. ClinVar contains an entry for this variant (Variation ID: 95368). This variant has not been reported in the literature in individuals affected with MERTK-related conditions. This variant is present in population databases (rs376129675, gnomAD 0.07%). This sequence change replaces glutamic acid, which is acidic and polar, with lysine, which is basic and polar, at codon 632 of the MERTK protein (p.Glu632Lys).

GeneDx
Classification: Uncertain significance. Last evaluated: 2017-07-07. Review status: criteria provided, single submitter. Criteria: GeneDx Variant Classification (06012015). Collection method: clinical testing. Allele origin: germline. Affected: yes.
Comment: The E632K variant in the MERTK gene has not been reported previously as a pathogenic variant, nor as a benign variant, to our knowledge. The E632K variant is observed in 7/11,572 (0.06%) alleles from individuals of Latino background in the ExAC dataset (Lek et al., 2016). The E632K variant is a non-conservative amino acid substitution, which is likely to impact secondary protein structure as these residues differ in polarity, charge, size and/or other properties. This substitution occurs at a position that is conserved across species, and in silico analysis predicts this variant is probably damaging to the protein structure/function. We interpret E632K as a variant of uncertain significance.

Eurofins Ntd Llc (ga)
Classification: Uncertain significance. Last evaluated: 2013-09-23. Review status: criteria provided, single submitter. Criteria: EGL Classification Definitions 2015. Collection method: clinical testing. Allele origin: germline. Observed: 1 variant allele, 1 heterozygote.

NM_006343.3(MERTK):c.1894G>A (p.Glu632Lys)

Gene: MERTK (MER proto-oncogene, tyrosine kinase; plus strand). Cytogenetic location: 2q13.
Variant type: single nucleotide variant.
Coding change: c.1894G>A on transcript NM_006343.3 (MANE Select); coding-DNA position 1894, G replaced by A.
Protein change: p.Glu632Lys; replaces glutamic acid 632 with lysine.
Molecular consequence: missense variant.
Genome position (GRCh38, 1-based): chr2:112,008,409, G>A. VCF-style: chr2-112008409-G-A. GRCh37 (hg19) VCF-style: chr2-112765986-G-A.
Other names: short protein forms E632K.
Identifiers: ClinVar variation 95368 (VCV000095368.17), dbSNP rs376129675, ClinGen allele CA222925.